The following is an entry in ClinVar:

ClinVar aggregate classification (germline): Uncertain significance (1 of 4 stars; one submission).

Submission:

Labcorp Genetics (formerly Invitae), Labcorp
Classification: Uncertain significance. Last evaluated: 2024-12-02. Review status: criteria provided, single submitter. Criteria: Invitae Variant Classification Sherloc (09022015). Collection method: clinical testing. Allele origin: germline.
Comment: This sequence change replaces leucine, which is neutral and non-polar, with proline, which is neutral and non-polar, at codon 69 of the SNRPB protein (p.Leu69Pro). This variant is not present in population databases (gnomAD no frequency). This variant has not been reported in the literature in individuals affected with SNRPB-related conditions. ClinVar contains an entry for this variant (Variation ID: 2745688). An algorithm developed to predict the effect of missense changes on protein structure and function (PolyPhen-2) suggests that this variant is likely to be disruptive. In summary, the available evidence is currently insufficient to determine the role of this variant in disease. Therefore, it has been classified as a Variant of Uncertain Significance.

NM_003091.4(SNRPB):c.206T>C (p.Leu69Pro)

Gene: SNRPB (small nuclear ribonucleoprotein polypeptides B and B1; minus strand). Cytogenetic location: 20p13.
Variant type: single nucleotide variant.
Coding change: c.206T>C on transcript NM_003091.4 (MANE Select); coding-DNA position 206, T replaced by C.
Protein change: p.Leu69Pro; replaces leucine 69 with proline.
Molecular consequence: missense variant.
Genome position (GRCh38, 1-based): chr20:2,465,769, A>G on the plus strand (T>C on the coding strand, the complement: SNRPB is on the minus strand). VCF-style: chr20-2465769-A-G. GRCh37 (hg19) VCF-style: chr20-2446415-A-G.
Other names: c.206T>C, p.Leu69Pro (NM_198216.2); short protein forms L69P.
Identifiers: ClinVar variation 2745688 (VCV002745688.3), dbSNP rs2514423143, ClinGen allele CA408014877.
Genomic context (GRCh38, chr20:2,465,769, plus strand): 5'-TCTTTGGGAGGAGGTCCCTCTACTGTCATTGAGACCAGATTCTCCCCTCGCAGCAGCACC[A>G]GACCGAGGACTCGCTTCTCTTCCCTTTCTGCTTGTTTGGAGTTCTTTGGCCTAAAGAGAG-3'
Protein context (NP_003082.1, residues 59-79): AEREEKRVLG[Leu69Pro]VLLRGENLVS